The following is an entry in ClinVar:

NM_001291303.3(FAT4):c.568A>G (p.Thr190Ala)

Gene: FAT4 (FAT atypical cadherin 4; plus strand). Cytogenetic location: 4q28.1.
Variant type: single nucleotide variant.
Coding change: c.568A>G on transcript NM_001291303.3 (MANE Select); coding-DNA position 568, A replaced by G.
Protein change: p.Thr190Ala; replaces threonine 190 with alanine.
Molecular consequence: missense variant.
Genome position (GRCh38, 1-based): chr4:125,316,979, A>G. VCF-style: chr4-125316979-A-G. GRCh37 (hg19) VCF-style: chr4-126238134-A-G.
Other names: c.568A>G, p.Thr190Ala (NM_001291285.3, NM_024582.6); short protein forms T190A.
Identifiers: ClinVar variation 2004537 (VCV002004537.4), dbSNP rs2530421690, ClinGen allele CA358116069.

ClinVar aggregate classification (germline): Uncertain significance (1 of 4 stars; one submission).

Submission:

Labcorp Genetics (formerly Invitae), Labcorp
Classification: Uncertain significance. Last evaluated: 2025-06-12. Review status: criteria provided, single submitter. Criteria: Invitae Variant Classification Sherloc (09022015). Collection method: clinical testing. Allele origin: germline.
Comment: This sequence change replaces threonine, which is neutral and polar, with alanine, which is neutral and non-polar, at codon 190 of the FAT4 protein (p.Thr190Ala). This variant is not present in population databases (gnomAD no frequency). This variant has not been reported in the literature in individuals affected with FAT4-related conditions. ClinVar contains an entry for this variant (Variation ID: 2004537). Invitae Evidence Modeling of protein sequence and biophysical properties (such as structural, functional, and spatial information, amino acid conservation, physicochemical variation, residue mobility, and thermodynamic stability) indicates that this missense variant is not expected to disrupt FAT4 protein function with a negative predictive value of 95%. In summary, the available evidence is currently insufficient to determine the role of this variant in disease. Therefore, it has been classified as a Variant of Uncertain Significance.